The following is an entry in ClinVar:

ClinVar aggregate classification (germline): Uncertain significance (1 of 4 stars; one submission).

Allele frequency attached by ClinVar (database versions not stated): gnomAD exomes below 0.00001; TOPMed below 0.00001.
gnomAD v4.1: 1 of 1,613,962 alleles (0.000062%); highest among the groups gnomAD compares: East Asian, 0.0022%; no homozygotes.

Submission:

Labcorp Genetics (formerly Invitae), Labcorp
Classification: Uncertain significance. Last evaluated: 2023-10-10. Review status: criteria provided, single submitter. Criteria: Invitae Variant Classification Sherloc (09022015). Collection method: clinical testing. Allele origin: germline.
Comment: This sequence change replaces threonine, which is neutral and polar, with alanine, which is neutral and non-polar, at codon 782 of the HMCN1 protein (p.Thr782Ala). This variant is not present in population databases (gnomAD no frequency). This variant has not been reported in the literature in individuals affected with HMCN1-related conditions. Algorithms developed to predict the effect of missense changes on protein structure and function output the following: SIFT: "Not Available"; PolyPhen-2: "Benign"; Align-GVGD: "Not Available". The alanine amino acid residue is found in multiple mammalian species, which suggests that this missense change does not adversely affect protein function. In summary, the available evidence is currently insufficient to determine the role of this variant in disease. Therefore, it has been classified as a Variant of Uncertain Significance.

NM_031935.3(HMCN1):c.2344A>G (p.Thr782Ala)

Gene: HMCN1 (hemicentin 1; plus strand). Cytogenetic location: 1q31.1.
Variant type: single nucleotide variant.
Coding change: c.2344A>G on transcript NM_031935.3 (MANE Select); coding-DNA position 2344, A replaced by G.
Protein change: p.Thr782Ala; replaces threonine 782 with alanine.
Molecular consequence: missense variant.
Genome position (GRCh38, 1-based): chr1:185,970,466, A>G. VCF-style: chr1-185970466-A-G. GRCh37 (hg19) VCF-style: chr1-185939598-A-G.
Other names: short protein forms T782A.
Identifiers: ClinVar variation 2744319 (VCV002744319.3), dbSNP rs1650736299, ClinGen allele CA343879480.